The following is an entry in ClinVar:

ClinVar aggregate classification (germline): Uncertain significance (1 of 4 stars; one submission).

gnomAD v4.1: 1 of 1,598,262 alleles (0.000063%); highest among the groups gnomAD compares: Non-Finnish European, 0.000085%; no homozygotes.

Submission:

Ambry Genetics
Classification: Uncertain significance. Last evaluated: 2025-02-26. Review status: criteria provided, single submitter. Criteria: Ambry Variant Classification Scheme 2023. Collection method: clinical testing. Allele origin: germline.
Comment: The p.T1511P variant (also known as c.4531A>C), located in coding exon 19 of the WNK2 gene, results from an A to C substitution at nucleotide position 4531. The threonine at codon 1511 is replaced by proline, an amino acid with highly similar properties. This amino acid position is conserved. In addition, this alteration is predicted to be tolerated by in silico analysis. Based on the available evidence, the clinical significance of this variant remains unclear.

NM_006648.4(WNK2):c.4531A>C (p.Thr1511Pro)

Gene: WNK2 (WNK lysine deficient protein kinase 2; plus strand). Cytogenetic location: 9q22.31.
Variant type: single nucleotide variant.
Coding change: c.4531A>C on transcript NM_006648.4 (MANE Select); coding-DNA position 4531, A replaced by C.
Protein change: p.Thr1511Pro; replaces threonine 1511 with proline.
Molecular consequence: missense variant.
Genome position (GRCh38, 1-based): chr9:93,289,285, A>C. VCF-style: chr9-93289285-A-C. GRCh37 (hg19) VCF-style: chr9-96051567-A-C.
Other names: c.4642A>C, p.Thr1548Pro (NM_001282394.3); short protein forms T1511P, T1548P.
Identifiers: ClinVar variation 3817159 (VCV003817159.1).
Genomic context (GRCh38, chr9:93,289,285, plus strand): 5'-CCCGCCTTGGGTCAACCTGCTCCCCTGCTTCCTGCCGCAGTGGGGGCCGTCAGCCTGGCC[A>C]CCTCCCAGCTCCCAAGCCCACCCCTGGGGCCCACCGTCCCCCCACAGCCACCCTCGGCCC-3'
Protein context (NP_006639.3, residues 1501-1521): PAAVGAVSLA[Thr1511Pro]SQLPSPPLGP